The following is an entry in ClinVar:

NM_013436.5(NCKAP1):c.1582T>A (p.Ser528Thr)

Gene: NCKAP1 (NCK associated protein 1; minus strand). Cytogenetic location: 2q32.1.
Variant type: single nucleotide variant.
Coding change: c.1582T>A on transcript NM_013436.5 (MANE Select); coding-DNA position 1582, T replaced by A.
Protein change: p.Ser528Thr; replaces serine 528 with threonine.
Molecular consequence: missense variant.
Genome position (GRCh38, 1-based): chr2:182,967,262, A>T on the plus strand (T>A on the coding strand, the complement: NCKAP1 is on the minus strand). VCF-style: chr2-182967262-A-T. GRCh37 (hg19) VCF-style: chr2-183831990-A-T.
Other names: c.1600T>A, p.Ser534Thr (NM_205842.3); short protein forms S534T, S528T.
Identifiers: ClinVar variation 3393566 (VCV003393566.1).

ClinVar aggregate classification (germline): Uncertain significance (1 of 4 stars; one submission).

gnomAD v4.1: 1 of 1,612,582 alleles (0.000062%); highest among the groups gnomAD compares: Non-Finnish European, 0.000085%; no homozygotes.

Submission:

GeneDx
Classification: Uncertain significance. Last evaluated: 2024-07-02. Review status: criteria provided, single submitter. Criteria: GeneDx Variant Classification Process June 2021. Collection method: clinical testing. Allele origin: germline. Affected: yes.
Comment: Not observed at significant frequency in large population cohorts (gnomAD); In silico analysis indicates that this missense variant does not alter protein structure/function; Has not been previously published as pathogenic or benign to our knowledge